The following is an entry in ClinVar:

ClinVar aggregate classification (germline): Conflicting classifications of pathogenicity. Review status: criteria provided, conflicting classifications (1 of 4 stars). 5 submissions from 4 submitters: Uncertain significance (2); Benign (1). 2 of the submissions do not count toward it. Last evaluated 2017-04-27.

Conditions:
Naxos disease (NXD). Also called: CARDIOMYOPATHY, ARRHYTHMOGENIC RIGHT VENTRICULAR, WITH SKIN, HAIR, AND NAIL ABNORMALITIES; WOOLLY HAIR, PALMOPLANTAR KERATODERMA, AND CARDIAC ABNORMALITIES; KERATOSIS PALMOPLANTARIS WITH ARRHYTHMOGENIC CARDIOMYOPATHY; MAL DE NAXOS; PALMOPLANTAR KERATODERMA WITH ARRHYTHMOGENIC RIGHT VENTRICULAR CARDIOMYOPATHY AND WOOLLY HAIR. Identifiers: Orphanet 34217, MedGen C1832600, MONDO:0011017, OMIM 601214.
Arrhythmogenic right ventricular dysplasia 12. Also called: ARRHYTHMOGENIC RIGHT VENTRICULAR DYSPLASIA, FAMILIAL, 12. Identifiers: MedGen C1969081, MONDO:0012684, OMIM 611528.

Allele frequency attached by ClinVar (database versions not stated): gnomAD 0.00146 and 0.00167; 1000 Genomes Project 0.00160; gnomAD exomes 0.00220 and 0.00289; TOPMed 0.00161; 1000 Genomes Project 30x 0.00172; ESP Exome Variant Server 0.00238; ExAC 0.00318.
gnomAD v4.1: 3,347 of 1,552,492 alleles (0.22%); highest among the groups gnomAD compares: South Asian, 1.2%; 21 homozygotes.

Submissions (5):

Illumina Laboratory Services, Illumina
Classification: Uncertain significance for Naxos disease. Last evaluated: 2017-04-27. Review status: criteria provided, single submitter. Criteria: ICSL Variant Classification Criteria 13 December 2019. Collection method: clinical testing. Allele origin: germline.

Illumina Laboratory Services, Illumina
Classification: Uncertain significance for Arrhythmogenic right ventricular dysplasia 12. Last evaluated: 2017-04-27. Review status: criteria provided, single submitter. Criteria: ICSL Variant Classification Criteria 13 December 2019. Collection method: clinical testing. Allele origin: germline.

GeneDx
Classification: Benign. Last evaluated: 2014-01-11. Review status: criteria provided, single submitter. Criteria: GeneDx Variant Classification (06012015). Collection method: clinical testing. Allele origin: germline. Affected: yes.
Comment: This variant is considered likely benign or benign based on one or more of the following criteria: it is a conservative change, it occurs at a poorly conserved position in the protein, it is predicted to be benign by multiple in silico algorithms, and/or has population frequency not consistent with disease.

Genome Diagnostics Laboratory, University Medical Center Utrecht
Classification: Benign. Review status: no assertion criteria provided. Collection method: clinical testing. Allele origin: germline. Affected: yes. Study: VKGL Data-share Consensus. Not counted in ClinVar's aggregate classification.

Joint Genome Diagnostic Labs from Nijmegen and Maastricht, Radboudumc and MUMC+
Classification: Likely benign. Review status: no assertion criteria provided. Collection method: clinical testing. Allele origin: germline. Affected: yes. Study: VKGL Data-share Consensus. Not counted in ClinVar's aggregate classification.

NM_002230.4(JUP):c.*21C>A

Gene: JUP (junction plakoglobin; minus strand). Cytogenetic location: 17q21.2.
Variant type: single nucleotide variant.
Coding change: c.*21C>A on transcript NM_002230.4 (MANE Select); 21 bases downstream of the stop codon, C replaced by A.
Molecular consequence: 3 prime UTR variant. On other transcripts: intron variant (5).
Genome position (GRCh38, 1-based): chr17:41,755,723, G>T on the plus strand (C>A on the coding strand, the complement: JUP is on the minus strand). VCF-style: chr17-41755723-G-T. GRCh37 (hg19) VCF-style: chr17-39911975-G-T.
Other names: c.*21C>A (NM_001352773.2); c.*14+7C>A (NM_001352774.2, NM_021991.4, NM_001352776.2 and 2 more transcripts).
Identifiers: ClinVar variation 137964 (VCV000137964.9), dbSNP rs41275669, ClinGen allele CA291696.